The following is an entry in ClinVar:

ClinVar aggregate classification (germline): Benign/Likely benign. Review status: criteria provided, multiple submitters, no conflicts (2 of 4 stars). 6 submissions from 6 submitters: Benign (2); Likely benign (1). 3 of the submissions do not count toward it. Last evaluated 2026-04-01.

Conditions:
DNAJC13-related disorder. Also called: DNAJC13-related condition.

Allele frequency attached by ClinVar (database versions not stated): gnomAD exomes 0.00045 and 0.00124; ExAC 0.00163; gnomAD 0.00429 and 0.00454; TOPMed 0.00507; 1000 Genomes Project 0.00559; ESP Exome Variant Server 0.00577; 1000 Genomes Project 30x 0.00593.
gnomAD v4.1: 1,345 of 1,613,962 alleles (0.083%); highest among the groups gnomAD compares: African/African-American, 1.5%; 8 homozygotes.

Submissions (6):

CeGaT Center for Human Genetics Tuebingen
Classification: Likely benign. Last evaluated: 2026-04-01. Review status: criteria provided, single submitter. Criteria: CeGaT Center For Human Genetics Tuebingen Variant Classification Criteria Version 2. Collection method: clinical testing. Allele origin: germline. Affected: yes. Observed: 1 variant allele.
Comment: DNAJC13: BP4, BS1

Labcorp Genetics (formerly Invitae), Labcorp
Classification: Benign. Last evaluated: 2019-12-31. Review status: criteria provided, single submitter. Criteria: Invitae Variant Classification Sherloc (09022015). Collection method: clinical testing. Allele origin: germline.

Breakthrough Genomics
Classification: Benign. Review status: criteria provided, single submitter. Criteria: ACMG Guidelines, 2015. Collection method: not provided. Allele origin: germline. Inheritance: Unknown mechanism. Affected: yes.

PreventionGenetics, part of Exact Sciences
Classification: Benign for DNAJC13-related condition. Last evaluated: 2019-10-04. Review status: no assertion criteria provided. Collection method: clinical testing. Allele origin: germline. Not counted in ClinVar's aggregate classification.
Comment: This variant is classified as benign based on ACMG/AMP sequence variant interpretation guidelines (Richards et al. 2015 PMID: 25741868, with internal and published modifications).

Clinical Genetics DNA and cytogenetics Diagnostics Lab, Erasmus MC, Erasmus Medical Center
Classification: Likely benign. Review status: no assertion criteria provided. Collection method: clinical testing. Allele origin: germline. Affected: yes. Study: VKGL Data-share Consensus. Not counted in ClinVar's aggregate classification.

Genome Diagnostics Laboratory, Amsterdam University Medical Center
Classification: Likely benign. Review status: no assertion criteria provided. Collection method: clinical testing. Allele origin: germline. Affected: yes. Study: VKGL Data-share Consensus. Not counted in ClinVar's aggregate classification.

NM_015268.4(DNAJC13):c.5855A>C (p.Asn1952Thr)

Gene: DNAJC13 (DnaJ heat shock protein family (Hsp40) member C13; plus strand). Cytogenetic location: 3q22.1.
Variant type: single nucleotide variant.
Coding change: c.5855A>C on transcript NM_015268.4 (MANE Select); coding-DNA position 5855, A replaced by C.
Protein change: p.Asn1952Thr; replaces asparagine 1952 with threonine.
Molecular consequence: missense variant.
Genome position (GRCh38, 1-based): chr3:132,523,168, A>C. VCF-style: chr3-132523168-A-C. GRCh37 (hg19) VCF-style: chr3-132242012-A-C.
Other names: c.5870A>C, p.Asn1957Thr (NM_001329126.2); short protein forms N1952T, N1957T.
Identifiers: ClinVar variation 709669 (VCV000709669.11), dbSNP rs61731474, ClinGen allele CA2619964.